The following is an entry in ClinVar:

NM_000702.4(ATP1A2):c.2032A>G (p.Ile678Val)

Gene: ATP1A2 (ATPase Na+/K+ transporting subunit alpha 2; plus strand). Cytogenetic location: 1q23.2.
Variant type: single nucleotide variant.
Coding change: c.2032A>G on transcript NM_000702.4 (MANE Select); coding-DNA position 2032, A replaced by G.
Protein change: p.Ile678Val; replaces isoleucine 678 with valine.
Molecular consequence: missense variant.
Genome position (GRCh38, 1-based): chr1:160,135,212, A>G. VCF-style: chr1-160135212-A-G. GRCh37 (hg19) VCF-style: chr1-160105002-A-G.
Other names: short protein forms I678V.
Identifiers: ClinVar variation 3900508 (VCV003900508.1).

ClinVar aggregate classification (germline): Uncertain significance (1 of 4 stars; one submission).

Submission:

GeneDx
Classification: Uncertain significance. Last evaluated: 2024-11-22. Review status: criteria provided, single submitter. Criteria: GeneDx Variant Classification Process June 2021. Collection method: clinical testing. Allele origin: germline. Affected: yes.
Comment: Not observed at significant frequency in large population cohorts (gnomAD); In silico analysis indicates that this missense variant does not alter protein structure/function; Has not been previously published as pathogenic or benign to our knowledge; This variant is associated with the following publications: (PMID: 18184292)